The following is an entry in ClinVar:

NM_177438.3(DICER1):c.1009C>G (p.Gln337Glu)

Gene: DICER1 (dicer 1, ribonuclease III; minus strand). Cytogenetic location: 14q32.13.
Variant type: single nucleotide variant.
Coding change: c.1009C>G on transcript NM_177438.3 (MANE Select); coding-DNA position 1009, C replaced by G.
Protein change: p.Gln337Glu; replaces glutamine 337 with glutamic acid.
Molecular consequence: missense variant.
Genome position (GRCh38, 1-based): chr14:95,124,563, G>C on the plus strand (C>G on the coding strand, the complement: DICER1 is on the minus strand). VCF-style: chr14-95124563-G-C. GRCh37 (hg19) VCF-style: chr14-95590900-G-C.
Other names: c.1009C>G, p.Gln337Glu (NM_001195573.1, NM_001271282.3, NM_001291628.2 and 1 more transcripts); short protein forms Q337E.
Identifiers: ClinVar variation 850561 (VCV000850561.11), dbSNP rs1893237069, ClinGen allele CA390887170.

ClinVar aggregate classification (germline): Uncertain significance (1 of 4 stars; one submission).

Conditions:
DICER1-related tumor predisposition. Also called: DICER1 syndrome; DICER1-related pleuropulmonary blastoma cancer predisposition syndrome. Identifiers: Orphanet 284343, MedGen C3839822, MONDO:0100216.

Submission:

Labcorp Genetics (formerly Invitae), Labcorp
Classification: Uncertain significance for DICER1-related tumor predisposition. Last evaluated: 2023-02-20. Review status: criteria provided, single submitter. Criteria: Invitae Variant Classification Sherloc (09022015). Collection method: clinical testing. Allele origin: germline.
Comment: This sequence change replaces glutamine, which is neutral and polar, with glutamic acid, which is acidic and polar, at codon 337 of the DICER1 protein (p.Gln337Glu). In summary, the available evidence is currently insufficient to determine the role of this variant in disease. Therefore, it has been classified as a Variant of Uncertain Significance. Advanced modeling of protein sequence and biophysical properties (such as structural, functional, and spatial information, amino acid conservation, physicochemical variation, residue mobility, and thermodynamic stability) performed at Invitae indicates that this missense variant is not expected to disrupt DICER1 protein function. ClinVar contains an entry for this variant (Variation ID: 850561). This variant has not been reported in the literature in individuals affected with DICER1-related conditions. This variant is not present in population databases (gnomAD no frequency).